The following is an entry in ClinVar:

NM_025114.4(CEP290):c.5962G>T (p.Glu1988Ter)

Gene: CEP290 (centrosomal protein 290; minus strand). Cytogenetic location: 12q21.32.
Variant type: single nucleotide variant.
Coding change: c.5962G>T on transcript NM_025114.4 (MANE Select); coding-DNA position 5962, G replaced by T.
Protein change: p.Glu1988Ter; replaces glutamic acid 1988 with a stop codon.
Molecular consequence: nonsense.
Genome position (GRCh38, 1-based): chr12:88,071,343, C>A on the plus strand (G>T on the coding strand, the complement: CEP290 is on the minus strand). VCF-style: chr12-88071343-C-A. GRCh37 (hg19) VCF-style: chr12-88465120-C-A.
Other names: short protein forms E1988*.
Identifiers: ClinVar variation 1455287 (VCV001455287.11), dbSNP rs2035358840, ClinGen allele CA385983463.
Genomic context (GRCh38, chr12:88,071,343, plus strand): 5'-TAATAGCTTACCTCATATACAATATATCATTTTCTAAGTCAAGATTTCTCTTTTTTAATT[C>A]TTCCAATTCTTTTTCTGACTCCAAAGCTCGTATTCCCAAAACCTGATCAACAGTCATGCC-3'

ClinVar aggregate classification (germline): Pathogenic/Likely pathogenic. Review status: criteria provided, multiple submitters, no conflicts (2 of 4 stars). 3 submissions from 3 submitters: Pathogenic (2); Likely pathogenic (1). Last evaluated 2024-10-25.

Conditions:
Bardet-Biedl syndrome 14 (BBS14). Identifiers: Orphanet 110, MedGen C2673874, MONDO:0014442, OMIM 615991.
CEP290-related ciliopathy. Also called: CEP290 ciliopathy. Identifiers: MedGen CN305601, MONDO:0100451.
Meckel-Gruber syndrome. Also called: Dysencephalia splachnocystica; DYSENCEPHALIA SPLANCHNOCYSTICA; GRUBER SYNDROME. Identifiers: Orphanet 564, MedGen C0265215, MONDO:0018921.
Nephronophthisis. Also called: Juvenile Nephronophthisis. Identifiers: Orphanet 655, MedGen C0687120, MONDO:0019005, HP:0000090.
Joubert syndrome. Also called: Familial aplasia of the vermis; JOUBERT-BOLTSHAUSER SYNDROME. Identifiers: Orphanet 475, MedGen C5979921, MONDO:0018772.

Submissions (3):

Myriad Genetics, Inc.
Classification: Pathogenic for CEP290-related ciliopathy. Last evaluated: 2024-10-25. Review status: criteria provided, single submitter. Criteria: Myriad Autosomal Dominant, Autosomal Recessive and X-Linked Classification Criteria (2023). Collection method: clinical testing. Allele origin: unknown.
Comment: NM_025114.3(CEP290):c.5962G>T(E1988*) is expected to be pathogenic in the context of CEP290-related disorders. This variant is predicted to lead to an abnormal or absent protein product due to the creation of a premature termination codon in CEP290, a gene where loss-of-function variants are known to be pathogenic. Please note: this variant was assessed in the context of healthy population screening.

Baylor Genetics
Classification: Likely pathogenic for Bardet-Biedl syndrome 14. Last evaluated: 2024-02-08. Review status: criteria provided, single submitter. Criteria: ACMG Guidelines, 2015. Collection method: clinical testing. Allele origin: unknown.

Labcorp Genetics (formerly Invitae), Labcorp
Classification: Pathogenic for Joubert syndrome; Meckel-Gruber syndrome; Nephronophthisis. Last evaluated: 2023-06-28. Review status: criteria provided, single submitter. Criteria: Invitae Variant Classification Sherloc (09022015). Collection method: clinical testing. Allele origin: germline.
Comment: For these reasons, this variant has been classified as Pathogenic. ClinVar contains an entry for this variant (Variation ID: 1455287). This premature translational stop signal has been observed in individual(s) with retinitis pigmentosa (PMID: 28559085). This variant is not present in population databases (gnomAD no frequency). This sequence change creates a premature translational stop signal (p.Glu1988*) in the CEP290 gene. It is expected to result in an absent or disrupted protein product. Loss-of-function variants in CEP290 are known to be pathogenic (PMID: 16909394, 17345604, 20690115).

Literature cited by the submitters: PubMed 28559085 (cited by Labcorp Genetics (formerly Invitae), Labcorp); PubMed 16909394 (cited by Labcorp Genetics (formerly Invitae), Labcorp); PubMed 17345604 (cited by Labcorp Genetics (formerly Invitae), Labcorp); PubMed 20690115 (cited by Labcorp Genetics (formerly Invitae), Labcorp).